The following is an entry in ClinVar:

ClinVar aggregate classification (germline): Uncertain significance. Review status: criteria provided, multiple submitters, no conflicts (2 of 4 stars). 2 submissions from 2 submitters: Uncertain significance (2). Last evaluated 2025-06-24.

Conditions:
Cardiomyopathy (CMYO). Also called: Cardiomyopathies. Identifiers: Orphanet 167848, MedGen C0878544, MONDO:0004994, HP:0001638. Inheritance: Various modes of inheritance.
Hypertrophic cardiomyopathy. Also called: HYPERTROPHIC MYOCARDIOPATHY. Identifiers: Orphanet 217569, MedGen C0007194, MeSH D002312, MONDO:0005045, HP:0001639.

Allele frequency attached by ClinVar (database versions not stated): gnomAD exomes below 0.00001; ExAC 0.00001; gnomAD 0.00001; TOPMed 0.00002.
gnomAD v4.1: 2 of 1,613,854 alleles (0.00012%); highest among the groups gnomAD compares: African/African-American, 0.0027%; no homozygotes.

Submissions (2):

Labcorp Genetics (formerly Invitae), Labcorp
Classification: Uncertain significance for Hypertrophic cardiomyopathy. Last evaluated: 2025-06-24. Review status: criteria provided, single submitter. Criteria: Invitae Variant Classification Sherloc (09022015). Collection method: clinical testing. Allele origin: germline.
Comment: This sequence change falls in intron 23 of the MYH7 gene. It does not directly change the encoded amino acid sequence of the MYH7 protein. This variant is present in population databases (rs746915271, gnomAD 0.007%). This variant has not been reported in the literature in individuals affected with MYH7-related conditions. ClinVar contains an entry for this variant (Variation ID: 923741). Algorithms developed to predict the effect of sequence changes on RNA splicing suggest that this variant may disrupt the consensus splice site. In summary, the available evidence is currently insufficient to determine the role of this variant in disease. Therefore, it has been classified as a Variant of Uncertain Significance.

Color Diagnostics, LLC DBA Color Health
Classification: Uncertain significance for Cardiomyopathy. Last evaluated: 2019-10-29. Review status: criteria provided, single submitter. Criteria: ACMG Guidelines, 2015. Collection method: clinical testing. Allele origin: germline.
Comment: This variant causes a T>A nucleotide substitution at the -7 position of intron 23 of the MYH7 gene. Splice site prediction tools and conservation analysis are inconclusive regarding the impact of this variant on RNA splicing. To our knowledge, functional studies have not been performed for this variant. This variant has not been reported in individuals affected with cardiovascular disorders in the literature. This variant has been identified in 2/282858 chromosomes in the general population by the Genome Aggregation Database (gnomAD). The available evidence is insufficient to determine the role of this variant in disease conclusively. Therefore, this variant is classified as a Variant of Uncertain Significance.

NM_000257.4(MYH7):c.2923-7T>A

Gene: MYH7 (myosin heavy chain 7; minus strand). Cytogenetic location: 14q11.2.
Variant type: single nucleotide variant.
Coding change: c.2923-7T>A on transcript NM_000257.4 (MANE Select); 7 bases into the intron before coding-DNA position 2923, T replaced by A.
Molecular consequence: intron variant.
Genome position (GRCh38, 1-based): chr14:23,423,730, A>T on the plus strand (T>A on the coding strand, the complement: MYH7 is on the minus strand). VCF-style: chr14-23423730-A-T. GRCh37 (hg19) VCF-style: chr14-23892939-A-T.
Identifiers: ClinVar variation 923741 (VCV000923741.7), dbSNP rs746915271, ClinGen allele CA034933.